The following is an entry in ClinVar:

ClinVar aggregate classification (germline): Uncertain significance (1 of 4 stars; one submission).

Allele frequency attached by ClinVar (database versions not stated): gnomAD 0.00001; gnomAD exomes below 0.00001.
gnomAD v4.1: 4 of 1,614,070 alleles (0.00025%); highest among the groups gnomAD compares: Non-Finnish European, 0.00034%; no homozygotes.

Submission:

Labcorp Genetics (formerly Invitae), Labcorp
Classification: Uncertain significance. Last evaluated: 2022-05-10. Review status: criteria provided, single submitter. Criteria: Invitae Variant Classification Sherloc (09022015). Collection method: clinical testing. Allele origin: germline.
Comment: This sequence change replaces phenylalanine, which is neutral and non-polar, with leucine, which is neutral and non-polar, at codon 230 of the SLC45A2 protein (p.Phe230Leu). This variant is present in population databases (no rsID available, gnomAD 0.007%). This variant has not been reported in the literature in individuals affected with SLC45A2-related conditions. Algorithms developed to predict the effect of missense changes on protein structure and function output the following: SIFT: "Tolerated"; PolyPhen-2: "Benign"; Align-GVGD: "Class C0". The leucine amino acid residue is found in multiple mammalian species, which suggests that this missense change does not adversely affect protein function. In summary, the available evidence is currently insufficient to determine the role of this variant in disease. Therefore, it has been classified as a Variant of Uncertain Significance.

NM_016180.5(SLC45A2):c.690T>A (p.Phe230Leu)

Gene: SLC45A2 (solute carrier family 45 member 2; minus strand). Cytogenetic location: 5p13.2.
Variant type: single nucleotide variant.
Coding change: c.690T>A on transcript NM_016180.5 (MANE Select); coding-DNA position 690, T replaced by A.
Protein change: p.Phe230Leu; replaces phenylalanine 230 with leucine.
Molecular consequence: missense variant. On other transcripts: intron variant (1).
Genome position (GRCh38, 1-based): chr5:33,963,889, A>T on the plus strand (T>A on the coding strand, the complement: SLC45A2 is on the minus strand). VCF-style: chr5-33963889-A-T. GRCh37 (hg19) VCF-style: chr5-33963994-A-T.
Other names: c.690T>A, p.Phe230Leu (NM_001012509.4); c.563-9385T>A (NM_001297417.4); short protein forms F230L.
Identifiers: ClinVar variation 1917651 (VCV001917651.2), dbSNP rs970212120, ClinGen allele CA116890495.